The following is an entry in ClinVar:

ClinVar aggregate classification (germline): Uncertain significance. Review status: criteria provided, multiple submitters, no conflicts (2 of 4 stars). 2 submissions from 2 submitters: Uncertain significance (2). Last evaluated 2022-12-19.

Conditions:
Inborn genetic diseases. Identifiers: MedGen C0950123, MeSH D030342.
Reticular dysgenesis. Also called: ALEUKOCYTOSIS; CONGENITAL ALEUKIA; HEMATOPOIETIC HYPOPLASIA, GENERALIZED; RETICULAR DYSGENESIA; SEVERE COMBINED IMMUNODEFICIENCY WITH LEUKOPENIA; DeVaal disease. Identifiers: Orphanet 33355, MedGen C0272167, MONDO:0009973, OMIM 267500.

Allele frequency attached by ClinVar (database versions not stated): ExAC 0.00001; gnomAD exomes 0.00001; gnomAD 0.00005; TOPMed 0.00005.
gnomAD v4.1: 11 of 1,614,086 alleles (0.00068%); highest among the groups gnomAD compares: African/African-American, 0.015%; no homozygotes.

Submissions (2):

Ambry Genetics
Classification: Uncertain significance for Inborn genetic diseases. Last evaluated: 2022-12-19. Review status: criteria provided, single submitter. Criteria: Ambry Variant Classification Scheme 2023. Collection method: clinical testing. Allele origin: germline.

Labcorp Genetics (formerly Invitae), Labcorp
Classification: Uncertain significance for Reticular dysgenesis. Last evaluated: 2020-10-01. Review status: criteria provided, single submitter. Criteria: Invitae Variant Classification Sherloc (09022015). Collection method: clinical testing. Allele origin: germline.
Comment: In summary, this variant has uncertain impact on AK2 function. The available evidence is currently insufficient to determine its role in disease. Therefore, it has been classified as a Variant of Uncertain Significance. Algorithms developed to predict the effect of missense changes on protein structure and function do not agree on the potential impact of this missense change (SIFT: "Deleterious"; PolyPhen-2: "Benign"; Align-GVGD: "Class C55"). This variant has not been reported in the literature in individuals with a AK2-related disease. The frequency data for this variant in the population databases is considered unreliable, as metrics indicate poor data quality at this position in the ExAC database. This sequence change replaces lysine with glutamic acid at codon 93 of the AK2 protein (p.Lys93Glu). The lysine residue is highly conserved and there is a small physicochemical difference between lysine and glutamic acid.

NM_001625.4(AK2):c.277A>G (p.Lys93Glu)

Gene: AK2 (adenylate kinase 2; minus strand). Cytogenetic location: 1p35.1.
Variant type: single nucleotide variant.
Coding change: c.277A>G on transcript NM_001625.4 (MANE Select); coding-DNA position 277, A replaced by G.
Protein change: p.Lys93Glu; replaces lysine 93 with glutamic acid.
Molecular consequence: missense variant. On other transcripts: non-coding transcript variant (1).
Genome position (GRCh38, 1-based): chr1:33,021,646, T>C on the plus strand (A>G on the coding strand, the complement: AK2 is on the minus strand). VCF-style: chr1-33021646-T-C. GRCh37 (hg19) VCF-style: chr1-33487247-T-C.
Other names: c.277A>G, p.Lys93Glu (NM_001199199.3, NM_001319141.3, NM_001319143.2 and 1 more transcripts); c.133A>G, p.Lys45Glu (NM_001319139.3, NM_001319140.2); c.151A>G, p.Lys51Glu (NM_001319142.3); short protein forms K93E, K45E, K51E.
Identifiers: ClinVar variation 460287 (VCV000460287.7), dbSNP rs767276648, ClinGen allele CA747197.
Genomic context (GRCh38, chr1:33,021,646, plus strand): 5'-TACCCACCATTTCTGCCTGCCTCACAGTCCGAGGGAAGCCATCCAGAAGAAAACCATTTT[T>C]GCACAAGGGGGTCTCCAAATTCTTCTCAATGAGCTCCACTACCATTTCATCACTCACCTG-3'
Protein context (NP_001616.1, residues 83-103): IEKNLETPLC[Lys93Glu]NGFLLDGFPR